The following is an entry in ClinVar:

NM_000558.5(HBA1):c.84G>C (p.Glu28Asp)

Genes: HBA1 (hemoglobin subunit alpha 1; plus strand), LOC106804613 (hemoglobin subunit alpha 1 recombination region; plus strand). Cytogenetic location: 16p13.3.
Variant type: single nucleotide variant.
Coding change: c.84G>C on transcript NM_000558.5 (MANE Select); coding-DNA position 84, G replaced by C.
Protein change: p.Glu28Asp; replaces glutamic acid 28 with aspartic acid.
Molecular consequence: missense variant.
Genome position (GRCh38, 1-based): chr16:176,800, G>C. VCF-style: chr16-176800-G-C. GRCh37 (hg19) VCF-style: chr16-226799-G-C.
Other names: short protein forms E28D.
Identifiers: ClinVar variation 3336296 (VCV003336296.1).

ClinVar aggregate classification (germline): Uncertain significance (1 of 4 stars; one submission).

Submission:

Women's Health and Genetics/Laboratory Corporation of America, LabCorp
Classification: Uncertain significance. Last evaluated: 2024-05-29. Review status: criteria provided, single submitter. Criteria: LabCorp Variant Classification Summary - May 2015. Collection method: clinical testing. Allele origin: germline.
Comment: Variant summary: HBA1 c.84G>C (p.Glu28Asp) results in a conservative amino acid change located in the Globin (IPR000971) of the encoded protein sequence. Three of five in-silico tools predict a damaging effect of the variant on protein function. The variant was absent in 155292 control chromosomes. The available data on variant occurrences in the general population are insufficient to allow any conclusion about variant significance. To our knowledge, no occurrence of c.84G>C in individuals affected with Alpha Thalassemia and no experimental evidence demonstrating its impact on protein function have been reported. No submitters have cited clinical-significance assessments for this variant to ClinVar. Based on the evidence outlined above, the variant was classified as uncertain significance.